The following is an entry in ClinVar:

ClinVar aggregate classification (germline): Pathogenic (1 of 4 stars; one submission).

Submission:

Labcorp Genetics (formerly Invitae), Labcorp
Classification: Pathogenic. Last evaluated: 2024-03-01. Review status: criteria provided, single submitter. Criteria: Invitae Variant Classification Sherloc (09022015). Collection method: clinical testing. Allele origin: germline.
Comment: This sequence change creates a premature translational stop signal (p.Thr343Asnfs*8) in the TET2 gene. It is expected to result in an absent or disrupted protein product. Loss-of-function variants in TET2 are known to be pathogenic (PMID: 36066697). This variant is not present in population databases (gnomAD no frequency). This variant has not been reported in the literature in individuals affected with TET2-related conditions. For these reasons, this variant has been classified as Pathogenic.

Literature cited by the submitters: PubMed 36066697.

NM_001127208.3(TET2):c.1025dup (p.Thr343fs)

Genes: TET2 (tet methylcytosine dioxygenase 2; plus strand), TET2-AS1 (TET2 antisense RNA 1; minus strand). Cytogenetic location: 4q24.
Variant type: Duplication.
Coding change: c.1025dup on transcript NM_001127208.3 (MANE Select); coding-DNA position 1025, one base duplicated (G; older notation c.1025dupG).
Protein change: p.Thr343fs; shifts the reading frame from threonine 343.
Molecular consequence: frameshift variant.
Genome position (GRCh38, 1-based): chr4:105,234,967, G duplicated; the last of 3 consecutive G bases (chr4:105,234,965-105,234,967); duplicating any one gives the same sequence. VCF-style (leftmost placement, unchanged base first): chr4-105234964-A-AG. GRCh37 (hg19) VCF-style: chr4-106156121-A-AG.
Other names: c.1025dup, p.Thr343fs (NM_017628.4); short protein forms T343fs.
Identifiers: ClinVar variation 3643941 (VCV003643941.2).